The following is an entry in ClinVar:

ClinVar aggregate classification (germline): Uncertain significance (1 of 4 stars; one submission).

Conditions:
Malignant hyperthermia, susceptibility to, 5 (MHS5). Also called: CACNA1S-Related Malignant Hyperthermia Susceptibility. Identifiers: Orphanet 423, MedGen C1866077, MONDO:0011163, OMIM 601887.

Submission:

All of Us Research Program, National Institutes of Health
Classification: Uncertain significance for Malignant hyperthermia, susceptibility to, 5. Last evaluated: 2023-08-15. Review status: criteria provided, single submitter. Criteria: ACMG Guidelines, 2015. Collection method: clinical testing. Allele origin: germline. Inheritance: Autosomal dominant inheritance. Observed: 1 variant allele, 1 heterozygote.
Comment: This missense variant replaces arginine with isoleucine at codon 828 of the CACNA1S protein. Computational prediction suggests that this variant may have deleterious impact on protein structure and function (internally defined REVEL score threshold >= 0.7, PMID: 27666373). To our knowledge, functional studies have not been reported for this variant. This variant has not been reported in individuals affected with CACNA1S-related disorders in the literature. This variant has not been identified in the general population by the Genome Aggregation Database (gnomAD). The available evidence is insufficient to determine the role of this variant in disease conclusively. Therefore, this variant is classified as a Variant of Uncertain Significance.

This study involves interpretation of variants in research participants for the purpose of population health screening. Participant phenotype was not available at the time of variant classification. Additional details can be found in publication PMID: 35346344, PMCID: PMC8962531

NM_000069.3(CACNA1S):c.2483G>T (p.Arg828Ile)

Gene: CACNA1S (calcium voltage-gated channel subunit alpha1 S; minus strand). Cytogenetic location: 1q32.1.
Variant type: single nucleotide variant.
Coding change: c.2483G>T on transcript NM_000069.3 (MANE Select); coding-DNA position 2483, G replaced by T.
Protein change: p.Arg828Ile; replaces arginine 828 with isoleucine.
Molecular consequence: missense variant.
Genome position (GRCh38, 1-based): chr1:201,069,479, C>A on the plus strand (G>T on the coding strand, the complement: CACNA1S is on the minus strand). VCF-style: chr1-201069479-C-A. GRCh37 (hg19) VCF-style: chr1-201038607-C-A.
Other names: short protein forms R828I.
Identifiers: ClinVar variation 3072804 (VCV003072804.1), dbSNP rs2464536121, ClinGen allele CA344106474.